The following is an entry in ClinVar:

ClinVar aggregate classification (germline): Uncertain significance (1 of 4 stars; one submission).

Conditions:
Brachyolmia-amelogenesis imperfecta syndrome. Also called: PLATYSPONDYLY WITH AMELOGENESIS IMPERFECTA; Tooth agenesis, selective, 6; Dental anomalies and short stature. Identifiers: Orphanet 2899, MedGen C1832594, MONDO:0011018, OMIM 601216. Disease mechanism: loss of function.

Submission:

Labcorp Genetics (formerly Invitae), Labcorp
Classification: Uncertain significance for Brachyolmia-amelogenesis imperfecta syndrome. Last evaluated: 2024-05-18. Review status: criteria provided, single submitter. Criteria: Invitae Variant Classification Sherloc (09022015). Collection method: clinical testing. Allele origin: germline.
Comment: This sequence change falls in intron 16 of the LTBP3 gene. It does not directly change the encoded amino acid sequence of the LTBP3 protein. This variant is not present in population databases (gnomAD no frequency). This variant has not been reported in the literature in individuals affected with LTBP3-related conditions. Algorithms developed to predict the effect of sequence changes on RNA splicing suggest that this variant may disrupt the consensus splice site. In summary, the available evidence is currently insufficient to determine the role of this variant in disease. Therefore, it has been classified as a Variant of Uncertain Significance.

NM_001130144.3(LTBP3):c.2354-10del

Gene: LTBP3 (latent transforming growth factor beta binding protein 3; minus strand). Cytogenetic location: 11q13.1.
Variant type: Deletion.
Coding change: c.2354-10del on transcript NM_001130144.3 (MANE Select); 10 bases into the intron before coding-DNA position 2354, one base deleted (T; older notation c.2354-10delT).
Molecular consequence: intron variant.
Genome position (GRCh38, 1-based): chr11:65,543,559, A deleted on the plus strand (T on the coding strand, the reverse complement: LTBP3 is on the minus strand). VCF-style (leftmost placement, unchanged base first): chr11-65543558-CA-C. GRCh37 (hg19) VCF-style: chr11-65311029-CA-C.
Other names: c.2003-10del (NM_001164266.1); c.2354-10del (NM_021070.4).
Identifiers: ClinVar variation 3653819 (VCV003653819.2).
Genomic context (GRCh38, chr11:65,543,558, plus strand): 5'-TTGCTGCAGATGCCATTGTCACACACGTCCCCAGCCTCACACTCGTCCACATCTGCAGGG[CA>C]TAGGGGGTGTCAGAGGACCAGGCTGGGTGGTCTTGGGTTTCTACTACTGTTTTCTCACTT-3'